The following is an entry in ClinVar:

NM_018105.3(THAP1):c.229_230delinsTC (p.Val77Ser)

Gene: THAP1 (THAP domain containing 1; minus strand). Cytogenetic location: 8p11.21.
Variant type: Indel.
Coding change: c.229_230delinsTC on transcript NM_018105.3 (MANE Select); coding-DNA positions 229 to 230, GT replaced by TC.
Protein change: p.Val77Ser; replaces valine 77 with serine.
Molecular consequence: missense variant. On other transcripts: intron variant (1).
Genome position (GRCh38, 1-based): chr8:42,839,223-42,839,224, AC replaced by GA on the plus strand (GT replaced by TC on the coding strand, the reverse complement: THAP1 is on the minus strand). VCF-style: chr8-42839223-AC-GA. GRCh37 (hg19) VCF-style: chr8-42694366-AC-GA.
Other names: c.72-888_72-887delinsTC (NM_199003.2); short protein forms V77S.
Identifiers: ClinVar variation 3906327 (VCV003906327.1).

ClinVar aggregate classification (germline): Uncertain significance (1 of 4 stars; one submission).

Submission:

GeneDx
Classification: Uncertain significance. Last evaluated: 2024-12-22. Review status: criteria provided, single submitter. Criteria: GeneDx Variant Classification Process June 2021. Collection method: clinical testing. Allele origin: germline. Affected: yes.
Comment: Not observed at significant frequency in large population cohorts (gnomAD); In silico analysis supports a deleterious effect on protein structure/function; Has not been previously published as pathogenic or benign to our knowledge